The following is an entry in ClinVar:

ClinVar aggregate classification (germline): Uncertain significance (1 of 4 stars; one submission).

Allele frequency attached by ClinVar (database versions not stated): ExAC 0.00002; gnomAD exomes 0.00002; TOPMed 0.00002; gnomAD 0.00001.
gnomAD v4.1: 24 of 1,614,120 alleles (0.0015%); highest among the groups gnomAD compares: Non-Finnish European, 0.0019%; no homozygotes.

Submission:

Labcorp Genetics (formerly Invitae), Labcorp
Classification: Uncertain significance. Last evaluated: 2025-09-22. Review status: criteria provided, single submitter. Criteria: Invitae Variant Classification Sherloc (09022015). Collection method: clinical testing. Allele origin: germline.
Comment: This sequence change replaces leucine, which is neutral and non-polar, with valine, which is neutral and non-polar, at codon 1467 of the COL4A1 protein (p.Leu1467Val). This variant is present in population databases (rs11545878, gnomAD 0.004%). This variant has not been reported in the literature in individuals affected with COL4A1-related conditions. ClinVar contains an entry for this variant (Variation ID: 2156023). Invitae Evidence Modeling of protein sequence and biophysical properties (such as structural, functional, and spatial information, amino acid conservation, physicochemical variation, residue mobility, and thermodynamic stability) indicates that this missense variant is not expected to disrupt COL4A1 protein function with a negative predictive value of 95%. In summary, the available evidence is currently insufficient to determine the role of this variant in disease. Therefore, it has been classified as a Variant of Uncertain Significance.

NM_001845.6(COL4A1):c.4399C>G (p.Leu1467Val)

Gene: COL4A1 (collagen type IV alpha 1 chain; minus strand). Cytogenetic location: 13q34.
Variant type: single nucleotide variant.
Coding change: c.4399C>G on transcript NM_001845.6 (MANE Select); coding-DNA position 4399, C replaced by G.
Protein change: p.Leu1467Val; replaces leucine 1467 with valine.
Molecular consequence: missense variant.
Genome position (GRCh38, 1-based): chr13:110,162,293, G>C on the plus strand (C>G on the coding strand, the complement: COL4A1 is on the minus strand). VCF-style: chr13-110162293-G-C. GRCh37 (hg19) VCF-style: chr13-110814640-G-C.
Other names: short protein forms L1467V.
Identifiers: ClinVar variation 2156023 (VCV002156023.4), dbSNP rs11545878, ClinGen allele CA7046947.